The following is an entry in ClinVar:

ClinVar aggregate classification (germline): Uncertain significance (1 of 4 stars; one submission).

Conditions:
Frontotemporal dementia and/or amyotrophic lateral sclerosis 1 (FTDALS1). Also called: C9orf72 Frontotemporal Dementia and/or Amyotrophic Lateral Sclerosis; Frontotemporal dementia with motor neuron disease 1. Identifiers: Orphanet 275872, MedGen C5779877, MONDO:0007105, OMIM 105550.
Paget disease of bone 2, early-onset (PDB2). Also called: Paget disease of bone 2. Identifiers: MedGen C4085251, MONDO:0011183, OMIM 602080.

Submission:

Labcorp Genetics (formerly Invitae), Labcorp
Classification: Uncertain significance for Paget disease of bone 2, early-onset; Frontotemporal dementia and/or amyotrophic lateral sclerosis 1. Last evaluated: 2025-10-22. Review status: criteria provided, single submitter. Criteria: Invitae Variant Classification Sherloc (09022015). Collection method: clinical testing. Allele origin: germline.
Comment: This sequence change replaces threonine, which is neutral and polar, with arginine, which is basic and polar, at codon 278 of the SQSTM1 protein (p.Thr278Arg). This variant is not present in population databases (gnomAD no frequency). This variant has not been reported in the literature in individuals affected with SQSTM1-related conditions. Invitae Evidence Modeling of protein sequence and biophysical properties (such as structural, functional, and spatial information, amino acid conservation, physicochemical variation, residue mobility, and thermodynamic stability) indicates that this missense variant is not expected to disrupt SQSTM1 protein function with a negative predictive value of 80%. In summary, the available evidence is currently insufficient to determine the role of this variant in disease. Therefore, it has been classified as a Variant of Uncertain Significance.

NM_003900.5(SQSTM1):c.833C>G (p.Thr278Arg)

Gene: SQSTM1 (sequestosome 1; plus strand). Cytogenetic location: 5q35.3.
Variant type: single nucleotide variant.
Coding change: c.833C>G on transcript NM_003900.5 (MANE Select); coding-DNA position 833, C replaced by G.
Protein change: p.Thr278Arg; replaces threonine 278 with arginine.
Molecular consequence: missense variant.
Genome position (GRCh38, 1-based): chr5:179,833,110, C>G. VCF-style: chr5-179833110-C-G. GRCh37 (hg19) VCF-style: chr5-179260110-C-G.
Other names: c.581C>G, p.Thr194Arg (NM_001142298.2, NM_001142299.2); short protein forms T194R, T278R.
Identifiers: ClinVar variation 4782625 (VCV004782625.1).